The following is an entry in ClinVar:

NM_002160.4(TNC):c.980A>C (p.Asn327Thr)

Gene: TNC (tenascin C; minus strand). Cytogenetic location: 9q33.1.
Variant type: single nucleotide variant.
Coding change: c.980A>C on transcript NM_002160.4 (MANE Select); coding-DNA position 980, A replaced by C.
Protein change: p.Asn327Thr; replaces asparagine 327 with threonine.
Molecular consequence: missense variant.
Genome position (GRCh38, 1-based): chr9:115,086,751, T>G on the plus strand (A>C on the coding strand, the complement: TNC is on the minus strand). VCF-style: chr9-115086751-T-G. GRCh37 (hg19) VCF-style: chr9-117849030-T-G.
Other names: c.980A>C, p.Asn327Thr (NM_001410991.1, NM_001439065.1, NM_001439066.1 and 35 more transcripts); short protein forms N327T.
Identifiers: ClinVar variation 4997092 (VCV004997092.1).
Genomic context (GRCh38, chr9:115,086,751, plus strand): 5'-GGGCAGGTGGGTTTCCCGCAGTCTTCACCTGTGAAGCCTTCTTCGCAGTAGCAGGTGCCA[T>G]TGATGCAGCGGCCCCGGTCGAAGCAGTCATTGGGGCAGATGAGCTCACTGCAGTCTTCGC-3'
Protein context (NP_002151.2, residues 317-337): NDCFDRGRCI[Asn327Thr]GTCYCEEGFT

ClinVar aggregate classification (germline): Uncertain significance (1 of 4 stars; one submission).

Conditions:
TNC-related disorder. Also called: TNC-related condition.

gnomAD v4.1: 3 of 1,613,810 alleles (0.00019%); highest among the groups gnomAD compares: African/African-American, 0.004%; no homozygotes.

Submission:

PreventionGenetics, part of Exact Sciences
Classification: Uncertain significance for TNC-related condition. Last evaluated: 2026-03-07. Review status: criteria provided, single submitter. Criteria: ACMG Guidelines, 2015. Collection method: clinical testing. Allele origin: germline.
Comment: The TNC c.980A>C variant is predicted to result in the amino acid substitution p.Asn327Thr. To our knowledge, this variant has not been reported in the literature. This variant is reported in 0.0080% of alleles in individuals of African descent in gnomAD. At this time, the clinical significance of this variant is uncertain due to the absence of conclusive functional and genetic evidence.